The following is an entry in ClinVar:

ClinVar aggregate classification (germline): Uncertain significance. Review status: criteria provided, multiple submitters, no conflicts (2 of 4 stars). 2 submissions from 2 submitters: Uncertain significance (2). Last evaluated 2022-11-02.

Conditions:
Hereditary nonpolyposis colorectal neoplasms. Identifiers: MedGen C0009405, MeSH D003123.
Hereditary cancer-predisposing syndrome. Also called: Neoplastic Syndromes, Hereditary; Hereditary Cancer Syndrome; Tumor predisposition; Hereditary neoplastic syndrome. Identifiers: Orphanet 140162, MedGen C0027672, MeSH D009386, MONDO:0015356.

Submissions (2):

Ambry Genetics
Classification: Uncertain significance for Hereditary cancer-predisposing syndrome. Last evaluated: 2022-11-02. Review status: criteria provided, single submitter. Criteria: Ambry Variant Classification Scheme 2023. Collection method: clinical testing. Allele origin: germline.
Comment: The p.K334N variant (also known as c.1002G>T), located in coding exon 4 of the MSH6 gene, results from a G to T substitution at nucleotide position 1002. The lysine at codon 334 is replaced by asparagine, an amino acid with similar properties. This amino acid position is well conserved in available vertebrate species. In addition, the in silico prediction for this alteration is inconclusive. Since supporting evidence is limited at this time, the clinical significance of this alteration remains unclear.

Labcorp Genetics (formerly Invitae), Labcorp
Classification: Uncertain significance for Hereditary nonpolyposis colorectal neoplasms. Last evaluated: 2020-06-26. Review status: criteria provided, single submitter. Criteria: Invitae Variant Classification Sherloc (09022015). Collection method: clinical testing. Allele origin: germline.
Comment: This variant has not been reported in the literature in individuals with MSH6-related conditions. This variant is not present in population databases (ExAC no frequency). This sequence change replaces lysine with asparagine at codon 334 of the MSH6 protein (p.Lys334Asn). The lysine residue is highly conserved and there is a moderate physicochemical difference between lysine and asparagine. Algorithms developed to predict the effect of missense changes on protein structure and function are either unavailable or do not agree on the potential impact of this missense change (SIFT: "Deleterious"; PolyPhen-2: "Benign"; Align-GVGD: "Class C0"). In summary, the available evidence is currently insufficient to determine the role of this variant in disease. Therefore, it has been classified as a Variant of Uncertain Significance.

NM_000179.3(MSH6):c.1002G>T (p.Lys334Asn)

Gene: MSH6 (mutS homolog 6; plus strand). Cytogenetic location: 2p16.3.
Variant type: single nucleotide variant.
Coding change: c.1002G>T on transcript NM_000179.3 (MANE Select); coding-DNA position 1002, G replaced by T.
Protein change: p.Lys334Asn; replaces lysine 334 with asparagine.
Molecular consequence: missense variant.
Genome position (GRCh38, 1-based): chr2:47,798,985, G>T. VCF-style: chr2-47798985-G-T. GRCh37 (hg19) VCF-style: chr2-48026124-G-T.
Other names: c.1002G>T (NM_000179.2); c.612G>T, p.Lys204Asn (NM_001281492.2); c.96G>T, p.Lys32Asn (NM_001281493.2, NM_001281494.2); short protein forms K32N, K334N, K204N.
Identifiers: ClinVar variation 1039093 (VCV001039093.11), dbSNP rs1669283147, ClinGen allele CA346741202.